The following is an entry in ClinVar:

ClinVar aggregate classification (germline): Uncertain significance (1 of 4 stars; one submission).

Conditions:
Brugada syndrome 8 (BRGDA8). Identifiers: Orphanet 130, MedGen C2751083, MONDO:0013148, OMIM 613123.

Allele frequency attached by ClinVar (database versions not stated): TOPMed below 0.00001; gnomAD 0.00001.
gnomAD v4.1: 1 of 1,603,744 alleles (0.000062%); highest among the groups gnomAD compares: Admixed American, 0.0017%; no homozygotes.

Submission:

Labcorp Genetics (formerly Invitae), Labcorp
Classification: Uncertain significance for Brugada syndrome 8. Last evaluated: 2025-07-02. Review status: criteria provided, single submitter. Criteria: Invitae Variant Classification Sherloc (09022015). Collection method: clinical testing. Allele origin: germline.
Comment: This sequence change replaces leucine, which is neutral and non-polar, with valine, which is neutral and non-polar, at codon 729 of the HCN4 protein (p.Leu729Val). This variant is not present in population databases (gnomAD no frequency). This variant has not been reported in the literature in individuals affected with HCN4-related conditions. ClinVar contains an entry for this variant (Variation ID: 2955068). Invitae Evidence Modeling of protein sequence and biophysical properties (such as structural, functional, and spatial information, amino acid conservation, physicochemical variation, residue mobility, and thermodynamic stability) has been performed for this missense variant. However, the output from this modeling did not meet the statistical confidence thresholds required to predict the impact of this variant on HCN4 protein function. In summary, the available evidence is currently insufficient to determine the role of this variant in disease. Therefore, it has been classified as a Variant of Uncertain Significance.

NM_005477.3(HCN4):c.2185C>G (p.Leu729Val)

Gene: HCN4 (hyperpolarization activated cyclic nucleotide gated potassium channel 4; minus strand). Cytogenetic location: 15q24.1.
Variant type: single nucleotide variant.
Coding change: c.2185C>G on transcript NM_005477.3 (MANE Select); coding-DNA position 2185, C replaced by G.
Protein change: p.Leu729Val; replaces leucine 729 with valine.
Molecular consequence: missense variant.
Genome position (GRCh38, 1-based): chr15:73,323,908, G>C on the plus strand (C>G on the coding strand, the complement: HCN4 is on the minus strand). VCF-style: chr15-73323908-G-C. GRCh37 (hg19) VCF-style: chr15-73616249-G-C.
Other names: short protein forms L729V.
Identifiers: ClinVar variation 2955068 (VCV002955068.3), dbSNP rs2042882141, ClinGen allele CA393089500.